The following is an entry in ClinVar:

ClinVar aggregate classification (germline): Uncertain significance (1 of 4 stars; one submission).

Conditions:
Peroxisome biogenesis disorder 11A (Zellweger). Also called: Peroxisome biogenesis disorder 11A. Identifiers: Orphanet 912, MedGen C3554000, MONDO:0013949, OMIM 614883.

Allele frequency attached by ClinVar (database versions not stated): gnomAD exomes below 0.00001; TOPMed below 0.00001.
gnomAD v4.1: 1 of 1,614,154 alleles (0.000062%); highest among the groups gnomAD compares: Non-Finnish European, 0.000085%; no homozygotes.

Submission:

Labcorp Genetics (formerly Invitae), Labcorp
Classification: Uncertain significance for Peroxisome biogenesis disorder 11A (Zellweger). Last evaluated: 2023-11-13. Review status: criteria provided, single submitter. Criteria: Invitae Variant Classification Sherloc (09022015). Collection method: clinical testing. Allele origin: germline.
Comment: This sequence change replaces asparagine, which is neutral and polar, with serine, which is neutral and polar, at codon 101 of the PEX13 protein (p.Asn101Ser). This variant is not present in population databases (gnomAD no frequency). This variant has not been reported in the literature in individuals affected with PEX13-related conditions. ClinVar contains an entry for this variant (Variation ID: 1055652). Advanced modeling of protein sequence and biophysical properties (such as structural, functional, and spatial information, amino acid conservation, physicochemical variation, residue mobility, and thermodynamic stability) performed at Invitae indicates that this missense variant is not expected to disrupt PEX13 protein function with a negative predictive value of 80%. In summary, the available evidence is currently insufficient to determine the role of this variant in disease. Therefore, it has been classified as a Variant of Uncertain Significance.

NM_002618.4(PEX13):c.302A>G (p.Asn101Ser)

Gene: PEX13 (peroxisomal biogenesis factor 13; plus strand). Cytogenetic location: 2p15.
Variant type: single nucleotide variant.
Coding change: c.302A>G on transcript NM_002618.4 (MANE Select); coding-DNA position 302, A replaced by G.
Protein change: p.Asn101Ser; replaces asparagine 101 with serine.
Molecular consequence: missense variant.
Genome position (GRCh38, 1-based): chr2:61,031,628, A>G. VCF-style: chr2-61031628-A-G. GRCh37 (hg19) VCF-style: chr2-61258763-A-G.
Other names: short protein forms N101S.
Identifiers: ClinVar variation 1055652 (VCV001055652.7), dbSNP rs1680451583, ClinGen allele CA346942030.